The following is an entry in ClinVar:

ClinVar aggregate classification (germline): Benign/Likely benign. Review status: criteria provided, multiple submitters, no conflicts (2 of 4 stars). 7 submissions from 7 submitters: Benign (2); Likely benign (4). 1 of the submissions does not count toward it. Last evaluated 2026-01-20.

Conditions:
Polymerase proofreading-related adenomatous polyposis. Also called: Polymerase proofreading associated polyposis; Polymerase proofreading–associated polyposis (PPAP). Identifiers: Orphanet 447877, MedGen C5202613, MONDO:0018653.
Hereditary cancer-predisposing syndrome. Also called: Neoplastic Syndromes, Hereditary; Hereditary Cancer Syndrome; Tumor predisposition; Hereditary neoplastic syndrome. Identifiers: Orphanet 140162, MedGen C0027672, MeSH D009386, MONDO:0015356.

Allele frequency attached by ClinVar (database versions not stated): TOPMed 0.00001; gnomAD 0.00006; 1000 Genomes Project 30x 0.00016; 1000 Genomes Project 0.00020; ExAC 0.00022.
gnomAD v4.1: 133 of 1,605,074 alleles (0.0083%); highest among the groups gnomAD compares: South Asian, 0.12%; 2 homozygotes.

Submissions (7):

Labcorp Genetics (formerly Invitae), Labcorp
Classification: Likely benign. Last evaluated: 2026-01-20. Review status: criteria provided, single submitter. Criteria: Invitae Variant Classification Sherloc (09022015). Collection method: clinical testing. Allele origin: germline.

Blueprint Genetics
Classification: Likely benign. Last evaluated: 2024-10-08. Review status: criteria provided, single submitter. Criteria: ACMG Guidelines, 2015. Collection method: clinical testing. Allele origin: germline.

Women's Health and Genetics/Laboratory Corporation of America, LabCorp
Classification: Benign. Last evaluated: 2022-03-28. Review status: criteria provided, single submitter. Criteria: LabCorp Variant Classification Summary - May 2015. Collection method: clinical testing. Allele origin: germline.

Ambry Genetics
Classification: Likely benign for Hereditary cancer-predisposing syndrome. Last evaluated: 2020-02-21. Review status: criteria provided, single submitter. Criteria: Ambry Variant Classification Scheme 2023. Collection method: clinical testing. Allele origin: germline.

GeneDx
Classification: Likely benign. Last evaluated: 2019-09-17. Review status: criteria provided, single submitter. Criteria: GeneDx Variant Classification Process June 2021. Collection method: clinical testing. Allele origin: germline. Affected: yes.

Quest Diagnostics Nichols Institute San Juan Capistrano
Classification: Benign. Last evaluated: 2019-02-26. Review status: criteria provided, single submitter. Criteria: Quest Diagnostics criteria. Collection method: clinical testing. Allele origin: germline.

Department of Pathology and Laboratory Medicine, Sinai Health System
Classification: Uncertain significance for Polymerase proofreading-related adenomatous polyposis. Review status: no assertion criteria provided. Collection method: clinical testing. Allele origin: unknown. Affected: yes. Study: The Canadian Open Genetics Repository (COGR). Not counted in ClinVar's aggregate classification.
Comment: The POLE c.1794+5C>T variant was not identified in the literature. The variant was identified in dbSNP (ID: rs200095915) as "With Uncertain significance allele" and ClinVar (classified as likely benign by Invitae and GeneDx; and as uncertain significance by Ambry Genetics). The variant was identified in control databases in 44 of 277194 chromosomes (1 homozygous) at a frequency of 0.0002 (Genome Aggregation Database Feb 27, 2017). The variant was observed in the following populations: South Asian in 36 of 30780 chromosomes (freq: 0.001, increasing the likelihood this could be a low frequency benign variant), Other in 1 of 6462 chromosomes (freq: 0.0002), Latino in 2 of 34420 chromosomes (freq: 0.00006), and European in 5 of 126684 chromosomes (freq: 0.00004), while it was not observed in the African, Ashkenazi Jewish, East Asian, or Finnish populations. The c.1794+5C>T variant is located in the 5' splice region but does not affect the invariant +1 and +2 positions. Positions +3 to +6 are part of the splicing consensus sequence and variants involving these positions sometimes affect splicing. In addition, 1 of 4 in silico or computational prediction software programs (SpliceSiteFinder, MaxEntScan, NNSPLICE, GeneSplicer) predicts a greater than 10% difference in splicing. In summary, based on the above information, the clinical significance of this variant cannot be determined with certainty at this time. This variant is classified as a variant of uncertain significance.

NM_006231.4(POLE):c.1794+5C>T

Gene: POLE (DNA polymerase epsilon, catalytic subunit; minus strand). Cytogenetic location: 12q24.33.
Variant type: single nucleotide variant.
Coding change: c.1794+5C>T on transcript NM_006231.4 (MANE Select); 5 bases into the intron after coding-DNA position 1794, C replaced by T.
Molecular consequence: intron variant.
Genome position (GRCh38, 1-based): chr12:132,672,210, G>A on the plus strand (C>T on the coding strand, the complement: POLE is on the minus strand). VCF-style: chr12-132672210-G-A. GRCh37 (hg19) VCF-style: chr12-133248796-G-A.
Identifiers: ClinVar variation 240405 (VCV000240405.24), dbSNP rs200095915, ClinGen allele CA6893833.